The following is an entry in ClinVar:

ClinVar aggregate classification (germline): Uncertain significance. Review status: criteria provided, multiple submitters, no conflicts (2 of 4 stars). 3 submissions from 3 submitters: Uncertain significance (3). Last evaluated 2022-03-08.

Conditions:
Hereditary breast ovarian cancer syndrome. Also called: Hereditary breast and ovarian cancer; Hereditary breast and ovarian cancer syndrome (HBOC); Breast and ovarian cancer; Hereditary breast and ovarian cancer syndrome; BRCA1- and BRCA2-Associated Hereditary Breast and Ovarian Cancer; Hereditary breast and/or ovarian cancer syndrome. Identifiers: Orphanet 145, MedGen C0677776, MeSH D061325, MONDO:0003582. Disease mechanism: loss of function.
Hereditary cancer-predisposing syndrome. Also called: Tumor predisposition; Neoplastic Syndromes, Hereditary; Hereditary neoplastic syndrome; Hereditary Cancer Syndrome. Identifiers: Orphanet 140162, MedGen C0027672, MeSH D009386, MONDO:0015356.

Submissions (3):

Labcorp Genetics (formerly Invitae), Labcorp
Classification: Uncertain significance for Hereditary breast ovarian cancer syndrome. Last evaluated: 2022-03-08. Review status: criteria provided, single submitter. Criteria: Invitae Variant Classification Sherloc (09022015). Collection method: clinical testing. Allele origin: germline.
Comment: This sequence change replaces valine, which is neutral and non-polar, with alanine, which is neutral and non-polar, at codon 1378 of the BRCA1 protein (p.Val1378Ala). Advanced modeling of protein sequence and biophysical properties (such as structural, functional, and spatial information, amino acid conservation, physicochemical variation, residue mobility, and thermodynamic stability) performed at Invitae indicates that this missense variant is not expected to disrupt BRCA1 protein function. In summary, the available evidence is currently insufficient to determine the role of this variant in disease. Therefore, it has been classified as a Variant of Uncertain Significance. ClinVar contains an entry for this variant (Variation ID: 632684). This variant has not been reported in the literature in individuals affected with BRCA1-related conditions. This variant is not present in population databases (gnomAD no frequency).

Ambry Genetics
Classification: Uncertain significance for Hereditary cancer-predisposing syndrome. Last evaluated: 2020-11-16. Review status: criteria provided, single submitter. Criteria: Ambry Variant Classification Scheme 2023. Collection method: clinical testing. Allele origin: germline.
Comment: The p.V1378A variant (also known as c.4133T>C), located in coding exon 10 of the BRCA1 gene, results from a T to C substitution at nucleotide position 4133. The valine at codon 1378 is replaced by alanine, an amino acid with similar properties. This amino acid position is poorly conserved in available vertebrate species. In addition, the in silico prediction for this alteration is inconclusive. Since supporting evidence is limited at this time, the clinical significance of this alteration remains unclear.

Women's Health and Genetics/Laboratory Corporation of America, LabCorp
Classification: Uncertain significance. Last evaluated: 2018-04-16. Review status: criteria provided, single submitter. Criteria: LabCorp Variant Classification Summary - May 2015. Collection method: clinical testing. Allele origin: germline.
Comment: Variant summary: BRCA1 c.4133T>C (p.Val1378Ala) results in a non-conservative amino acid change in the encoded protein sequence. Four of five in-silico tools predict a benign effect of the variant on protein function. The variant was absent in 102170 control chromosomes. The available data on variant occurrences in the general population are insufficient to allow any conclusion about variant significance. To our knowledge, no occurrence of c.4133T>C in individuals affected with Hereditary Breast and Ovarian Cancer and no experimental evidence demonstrating its impact on protein function have been reported. No clinical diagnostic laboratories have submitted clinical-significance assessments for this variant to ClinVar after 2014. Based on the evidence outlined above, the variant was classified as uncertain significance.

NM_007294.4(BRCA1):c.4133T>C (p.Val1378Ala)

Gene: BRCA1 (BRCA1 DNA repair associated; minus strand). Cytogenetic location: 17q21.31.
Variant type: single nucleotide variant.
Coding change: c.4133T>C on transcript NM_007294.4 (MANE Select); coding-DNA position 4133, T replaced by C.
Protein change: p.Val1378Ala; replaces valine 1378 with alanine.
Molecular consequence: missense variant. On other transcripts: non-coding transcript variant (1).
Genome position (GRCh38, 1-based): chr17:43,090,996, A>G on the plus strand (T>C on the coding strand, the complement: BRCA1 is on the minus strand). VCF-style: chr17-43090996-A-G. GRCh37 (hg19) VCF-style: chr17-41243013-A-G.
Other names: c.3989T>C, p.Val1330Ala (NM_001407847.1, NM_001407848.1, NM_001407849.1 and 20 more transcripts); c.3992T>C, p.Val1331Ala (NM_001407850.1, NM_001407851.1, NM_001407852.1 and 29 more transcripts); c.3920T>C, p.Val1307Ala (NM_001407853.1, NM_001407894.1, NM_001407895.1 and 9 more transcripts); c.4133T>C, p.Val1378Ala (NM_001407854.1, NM_001407858.1, NM_001407859.1 and 30 more transcripts); c.4130T>C, p.Val1377Ala (NM_001407860.1, NM_001407861.1, NM_001407587.1 and 22 more transcripts); c.3932T>C, p.Val1311Ala (NM_001407862.1); c.4010T>C, p.Val1337Ala (NM_001407863.1, NM_001407919.1, NM_001407937.1 and 19 more transcripts); c.3929T>C, p.Val1310Ala (NM_001407874.1, NM_001407875.1); and 41 more; short protein forms V1378A, V1331A, V275A, V1307A, V1308A, V1351A, V186A, V194A.
Identifiers: ClinVar variation 632684 (VCV000632684.9), dbSNP rs1567788422, ClinGen allele CA10593458.